The following is an entry in ClinVar:

NM_006186.4(NR4A2):c.1412A>C (p.His471Pro)

Gene: NR4A2 (nuclear receptor subfamily 4 group A member 2; minus strand). Cytogenetic location: 2q24.1.
Variant type: single nucleotide variant.
Coding change: c.1412A>C on transcript NM_006186.4 (MANE Select); coding-DNA position 1412, A replaced by C.
Protein change: p.His471Pro; replaces histidine 471 with proline.
Molecular consequence: missense variant.
Genome position (GRCh38, 1-based): chr2:156,326,278, T>G on the plus strand (A>C on the coding strand, the complement: NR4A2 is on the minus strand). VCF-style: chr2-156326278-T-G. GRCh37 (hg19) VCF-style: chr2-157182790-T-G.
Other names: c.1223A>C, p.His408Pro (NM_173173.3); short protein forms H408P, H471P.
Identifiers: ClinVar variation 4293405 (VCV004293405.1).

ClinVar aggregate classification (germline): Uncertain significance (1 of 4 stars; one submission).

Conditions:
Intellectual developmental disorder with language impairment and early-onset DOPA-responsive dystonia-parkinsonism (IDLDP). Identifiers: Orphanet 660017, MedGen C5677001, MONDO:0859257, OMIM 619911.

gnomAD v4.1: 1 of 1,614,208 alleles (0.000062%); highest among the groups gnomAD compares: Non-Finnish European, 0.000085%; no homozygotes.

Submission:

3billion
Classification: Uncertain significance for Intellectual developmental disorder with language impairment and early-onset DOPA-responsive dystonia-parkinsonism. Last evaluated: 2024-10-16. Review status: criteria provided, single submitter. Criteria: ACMG Guidelines, 2015. Collection method: clinical testing. Allele origin: germline. Affected: yes.
Comment: The variant is observed at an extremely low frequency in the gnomAD v4.1.0 dataset (total allele frequency: <0.001%). Predicted Consequence/Location: Missense variant In silico tool predictions suggest damaging effect of the variant on gene or gene product [REVEL: 0.66 (>=0.6, sensitivity 0.68 and specificity 0.92)]. Therefore, this variant is classified as VUS according to the recommendation of ACMG/AMP guideline.